The following is an entry in ClinVar:

NM_000350.3(ABCA4):c.1029T>C (p.Asn343=)

Gene: ABCA4 (ATP binding cassette subfamily A member 4; minus strand). Cytogenetic location: 1p22.1.
Variant type: single nucleotide variant.
Coding change: c.1029T>C on transcript NM_000350.3 (MANE Select); coding-DNA position 1029, T replaced by C.
Protein change: p.Asn343=; no amino-acid change (asparagine 343 retained).
Molecular consequence: synonymous variant.
Genome position (GRCh38, 1-based): chr1:94,080,548, A>G on the plus strand (T>C on the coding strand, the complement: ABCA4 is on the minus strand). VCF-style: chr1-94080548-A-G. GRCh37 (hg19) VCF-style: chr1-94546104-A-G.
Other names: c.1029T>C, p.Asn343= (NM_001425324.1).
Identifiers: ClinVar variation 166617 (VCV000166617.59), dbSNP rs145483148, ClinGen allele CA233405.

ClinVar aggregate classification (germline): Conflicting classifications of pathogenicity. Review status: criteria provided, conflicting classifications (1 of 4 stars). 9 submissions from 9 submitters: Uncertain significance (3); Likely benign (3). 3 of the submissions do not count toward it. Last evaluated 2026-01-17.

Conditions:
ABCA4-related disorder. Also called: ABCA4-related condition; ABCA4-related disorders. Identifiers: MedGen CN239167.
Severe early-childhood-onset retinal dystrophy (STGD1). Also called: Stargardt macular dystrophy; Juvenile onset macular degeneration; Stargardt disease 1; MACULAR DYSTROPHY WITH FLECKS, TYPE 1; STGD. Identifiers: Orphanet 364055, Orphanet 827, MedGen C1855465, MeSH D000080362, MONDO:0009549, OMIM 248200.

Allele frequency attached by ClinVar (database versions not stated): 1000 Genomes Project 0.00040; 1000 Genomes Project 30x 0.00047; ExAC 0.00097; gnomAD exomes 0.00104 and 0.00167; TOPMed 0.00117; gnomAD 0.00120; ESP Exome Variant Server 0.00169.
gnomAD v4.1: 2,617 of 1,614,068 alleles (0.16%); highest among the groups gnomAD compares: Non-Finnish European, 0.2%; 7 homozygotes.

Submissions (9):

Labcorp Genetics (formerly Invitae), Labcorp
Classification: Likely benign. Last evaluated: 2026-01-17. Review status: criteria provided, single submitter. Criteria: Invitae Variant Classification Sherloc (09022015). Collection method: clinical testing. Allele origin: germline.

Blueprint Genetics
Classification: Likely benign. Last evaluated: 2024-11-21. Review status: criteria provided, single submitter. Criteria: ACMG Guidelines, 2015. Collection method: clinical testing. Allele origin: germline.

CeGaT Center for Human Genetics Tuebingen
Classification: Likely benign. Last evaluated: 2024-10-01. Review status: criteria provided, single submitter. Criteria: CeGaT Center For Human Genetics Tuebingen Variant Classification Criteria Version 2. Collection method: clinical testing. Allele origin: germline. Affected: yes. Observed: 3 variant alleles.
Comment: ABCA4: BP4, BP7

Illumina Laboratory Services, Illumina
Classification: Uncertain significance for ABCA4-Related Disorders. Last evaluated: 2017-04-27. Review status: criteria provided, single submitter. Criteria: ICSL Variant Classification Criteria 13 December 2019. Collection method: clinical testing. Allele origin: germline.

Eurofins Ntd Llc (ga)
Classification: Uncertain significance. Last evaluated: 2017-03-22. Review status: criteria provided, single submitter. Criteria: EGL Classification Definitions 2015. Collection method: clinical testing. Allele origin: germline. Observed: 3 variant alleles, 3 heterozygotes.

Institute of Human Genetics, Univ. Regensburg, Univ. Regensburg
Classification: Uncertain significance for Severe early-childhood-onset retinal dystrophy. Last evaluated: 2016-01-01. Review status: criteria provided, single submitter. Criteria: Schulz et al. (Invest Ophthalmol Vis Sci. 2017). Collection method: clinical testing. Allele origin: germline. Affected: yes. Observed: 2 heterozygotes.

PreventionGenetics, part of Exact Sciences
Classification: Likely benign for ABCA4-related condition. Last evaluated: 2020-04-03. Review status: no assertion criteria provided. Collection method: clinical testing. Allele origin: germline. Not counted in ClinVar's aggregate classification.
Comment: This variant is classified as likely benign based on ACMG/AMP sequence variant interpretation guidelines (Richards et al. 2015 PMID: 25741868, with internal and published modifications).

Clinical Genetics DNA and cytogenetics Diagnostics Lab, Erasmus MC, Erasmus Medical Center
Classification: Likely benign. Review status: no assertion criteria provided. Collection method: clinical testing. Allele origin: germline. Affected: yes. Study: VKGL Data-share Consensus. Not counted in ClinVar's aggregate classification.

Clinical Genetics, Academic Medical Center
Classification: Benign. Review status: no assertion criteria provided. Collection method: clinical testing. Allele origin: germline. Affected: yes. Study: VKGL Data-share Consensus. Not counted in ClinVar's aggregate classification.

Literature cited by the submitters: PubMed 19028736 (cited by Institute of Human Genetics, Univ. Regensburg, Univ. Regensburg).